The following is an entry in ClinVar:

ClinVar aggregate classification (germline): Uncertain significance. Review status: criteria provided, multiple submitters, no conflicts (2 of 4 stars). 2 submissions from 2 submitters: Uncertain significance (2). Last evaluated 2025-02-07.

Conditions:
Primary ciliary dyskinesia. Also called: Ciliary dyskinesia. Identifiers: Orphanet 244, MedGen C0008780, MONDO:0016575, HP:0012265.

gnomAD v4.1: 4 of 1,609,758 alleles (0.00025%); highest among the groups gnomAD compares: Non-Finnish European, 0.00034%; no homozygotes.

Submissions (2):

Ambry Genetics
Classification: Uncertain significance for Primary ciliary dyskinesia. Last evaluated: 2025-02-07. Review status: criteria provided, single submitter. Criteria: Ambry Variant Classification Scheme 2023. Collection method: clinical testing. Allele origin: germline.

Labcorp Genetics (formerly Invitae), Labcorp
Classification: Uncertain significance for Primary ciliary dyskinesia. Last evaluated: 2024-02-24. Review status: criteria provided, single submitter. Criteria: Invitae Variant Classification Sherloc (09022015). Collection method: clinical testing. Allele origin: germline.
Comment: This sequence change replaces proline, which is neutral and non-polar, with arginine, which is basic and polar, at codon 448 of the DNAAF1 protein (p.Pro448Arg). This variant is present in population databases (rs747965019, gnomAD 0.0009%). This variant has not been reported in the literature in individuals affected with DNAAF1-related conditions. An algorithm developed to predict the effect of missense changes on protein structure and function (PolyPhen-2) suggests that this variant is likely to be tolerated. In summary, the available evidence is currently insufficient to determine the role of this variant in disease. Therefore, it has been classified as a Variant of Uncertain Significance.

NM_178452.6(DNAAF1):c.1343C>G (p.Pro448Arg)

Gene: DNAAF1 (dynein axonemal assembly factor 1; plus strand). Cytogenetic location: 16q24.1.
Variant type: single nucleotide variant.
Coding change: c.1343C>G on transcript NM_178452.6 (MANE Select); coding-DNA position 1343, C replaced by G.
Protein change: p.Pro448Arg; replaces proline 448 with arginine.
Molecular consequence: missense variant.
Genome position (GRCh38, 1-based): chr16:84,170,171, C>G. VCF-style: chr16-84170171-C-G. GRCh37 (hg19) VCF-style: chr16-84203777-C-G.
Other names: c.1343C>G (NM_178452.4); c.635C>G, p.Pro212Arg (NM_001318756.1); short protein forms P212R, P448R.
Identifiers: ClinVar variation 3619909 (VCV003619909.3).